The following is an entry in ClinVar:

ClinVar aggregate classification (germline): Uncertain significance (1 of 4 stars; one submission).

Conditions:
Hereditary cancer-predisposing syndrome. Also called: Hereditary Cancer Syndrome; Hereditary neoplastic syndrome; Neoplastic Syndromes, Hereditary; Tumor predisposition. Identifiers: Orphanet 140162, MedGen C0027672, MeSH D009386, MONDO:0015356.

Submission:

Ambry Genetics
Classification: Uncertain significance for Hereditary cancer-predisposing syndrome. Last evaluated: 2020-05-05. Review status: criteria provided, single submitter. Criteria: Ambry Variant Classification Scheme 2023. Collection method: clinical testing. Allele origin: germline.
Comment: The c.5875_5895del21 variant (also known as p.R1959_E1965del) is located in coding exon 43 of the POLE gene. This variant results from an in-frame deletion of 21 nucleotides at positions 5875 to 5895. This results in the deletion of 7 amino acids between codons 1959 and 1965. Since supporting evidence is limited at this time, the clinical significance of this alteration remains unclear.

NM_006231.4(POLE):c.5875_5895del (p.Arg1959_Glu1965del)

Gene: POLE (DNA polymerase epsilon, catalytic subunit; minus strand). Cytogenetic location: 12q24.33.
Variant type: Deletion.
Coding change: c.5875_5895del on transcript NM_006231.4 (MANE Select); coding-DNA positions 5875 to 5895, 21 bases deleted (AGAGATGGGGAGGAGGAGGAA).
Protein change: p.Arg1959_Glu1965del.
Molecular consequence: inframe deletion.
Genome position (GRCh38, 1-based): chr12:132,634,295-132,634,315, TTCCTCCTCCTCCCCATCTCT deleted on the plus strand (AGAGATGGGGAGGAGGAGGAA on the coding strand, the reverse complement: POLE is on the minus strand); deleting any 21 consecutive bases within chr12:132,634,295-132,634,324 gives the same sequence; the c. name uses the placement nearest the transcript's 3' end. VCF-style (leftmost placement, unchanged base first): chr12-132634294-CTTCCTCCTCCTCCCCATCTCT-C. GRCh37 (hg19) VCF-style: chr12-133210880-CTTCCTCCTCCTCCCCATCTCT-C.
Identifiers: ClinVar variation 1750214 (VCV001750214.2), dbSNP rs2541860078, ClinGen allele CA2580086071.
Genomic context (GRCh38, chr12:132,634,294, plus strand): 5'-AAAACTGCAAAATGTTCCAGTTGTTTTCCAGTAAATCCTCCACGTTGGATTCCTCCGCCT[CTTCCTCCTCCTCCCCATCTCT>C]TTCCTCCTCATCGTCCTCATTTTCCTGCTCATCCTCTGCTCCCCCTGCTTTCTGGGAGTC-3'